The following is an entry in ClinVar:

ClinVar aggregate classification (germline): Benign/Likely benign. Review status: criteria provided, multiple submitters, no conflicts (2 of 4 stars). 3 submissions from 3 submitters: Benign (1); Likely benign (2). Last evaluated 2025-06-18.

Conditions:
Tuberous sclerosis 2 (TSC2). Identifiers: Orphanet 805, MedGen C1860707, MONDO:0013199, OMIM 613254.
Hereditary cancer-predisposing syndrome. Also called: Hereditary Cancer Syndrome; Tumor predisposition; Neoplastic Syndromes, Hereditary; Hereditary neoplastic syndrome. Identifiers: Orphanet 140162, MedGen C0027672, MeSH D009386, MONDO:0015356.

Allele frequency attached by ClinVar (database versions not stated): gnomAD exomes below 0.00001.
gnomAD v4.1: 1 of 1,612,390 alleles (0.000062%); highest among the groups gnomAD compares: Non-Finnish European, 0.000085%; no homozygotes.

Submissions (3):

Labcorp Genetics (formerly Invitae), Labcorp
Classification: Likely benign for Tuberous sclerosis 2. Last evaluated: 2025-06-18. Review status: criteria provided, single submitter. Criteria: Invitae Variant Classification Sherloc (09022015). Collection method: clinical testing. Allele origin: germline.

Myriad Genetics, Inc.
Classification: Benign for Tuberous sclerosis 2. Last evaluated: 2025-05-30. Review status: criteria provided, single submitter. Criteria: Myriad Autosomal Dominant, Autosomal Recessive and X-Linked Classification Criteria (2023). Collection method: clinical testing. Allele origin: unknown.
Comment: This variant is considered benign. This variant is a silent/synonymous amino acid change and it is not expected to impact splicing.

Ambry Genetics
Classification: Likely benign for Hereditary cancer-predisposing syndrome. Last evaluated: 2024-12-19. Review status: criteria provided, single submitter. Criteria: Ambry Variant Classification Scheme 2023. Collection method: clinical testing. Allele origin: germline.

NM_000548.5(TSC2):c.3804C>T (p.Arg1268=)

Gene: TSC2 (TSC complex subunit 2; plus strand). Cytogenetic location: 16p13.3.
Variant type: single nucleotide variant.
Coding change: c.3804C>T on transcript NM_000548.5 (MANE Select); coding-DNA position 3804, C replaced by T.
Protein change: p.Arg1268=; no amino-acid change (arginine 1268 retained).
Molecular consequence: synonymous variant.
Genome position (GRCh38, 1-based): chr16:2,081,788, C>T. VCF-style: chr16-2081788-C-T. GRCh37 (hg19) VCF-style: chr16-2131789-C-T.
Other names: c.3672C>T, p.Arg1224= (NM_001077183.3, NM_001370404.1); c.3804C>T, p.Arg1268= (NM_001114382.3); c.3564C>T, p.Arg1188= (NM_001318827.2); c.3528C>T, p.Arg1176= (NM_001318829.2); c.3072C>T, p.Arg1024= (NM_001318831.2); c.3705C>T, p.Arg1235= (NM_001318832.2); c.3675C>T, p.Arg1225= (NM_001363528.2, NM_001370405.1, NM_021055.3); c.3804C>T (NM_000548.3).
Identifiers: ClinVar variation 1628001 (VCV001628001.10), dbSNP rs1358080651, ClinGen allele CA493042894.
Genomic context (GRCh38, chr16:2,081,788, plus strand): 5'-CCTGTACAAGTCACTGTCGGTGCCGGCAGCCAGCACGGCCAAACCCCCTCCTCTGCCTCG[C>T]TCCAACACAGGTGAGTGGCATGGCGGGCCTTGGCACGGGCTCTGCTCCCACTGGCCTGGT-3'
Protein context (NP_000539.2, residues 1258-1278): ASTAKPPPLP[Arg1268=]SNTVASFSSL